The following is an entry in ClinVar:

NM_000391.4(TPP1):c.520C>T (p.His174Tyr)

Gene: TPP1 (tripeptidyl peptidase 1; minus strand). Cytogenetic location: 11p15.4.
Variant type: single nucleotide variant.
Coding change: c.520C>T on transcript NM_000391.4 (MANE Select); coding-DNA position 520, C replaced by T.
Protein change: p.His174Tyr; replaces histidine 174 with tyrosine.
Molecular consequence: missense variant.
Genome position (GRCh38, 1-based): chr11:6,617,142, G>A on the plus strand (C>T on the coding strand, the complement: TPP1 is on the minus strand). VCF-style: chr11-6617142-G-A. GRCh37 (hg19) VCF-style: chr11-6638373-G-A.
Other names: p.H174Y:CAC>TAC; short protein forms H174Y.
Identifiers: ClinVar variation 207575 (VCV000207575.4), dbSNP rs796053438, ClinGen allele CA319176.
Genomic context (GRCh38, chr11:6,617,142, plus strand): 5'-CAGTCCCTGTCACCTGCGGCTCAGGACGTTGCCTCAGGGATGATGTTGGGGGAAAACGGT[G>A]CAGTCCCCCCACTGTAGGGAGAAGTCAGGCTTGAGGAGATCTTATAGACTGTAATGCCCA-3'
Protein context (NP_000382.3, residues 164-184): APHVDFVGGL[His174Tyr]RFPPTSSLRQ

ClinVar aggregate classification (germline): Uncertain significance. Review status: criteria provided, multiple submitters, no conflicts (2 of 4 stars). 2 submissions from 2 submitters: Uncertain significance (2). Last evaluated 2022-04-25.

Allele frequency attached by ClinVar (database versions not stated): gnomAD exomes below 0.00001.
gnomAD v4.1: 2 of 1,614,092 alleles (0.00012%); highest among the groups gnomAD compares: Non-Finnish European, 0.00017%; no homozygotes.

Submissions (2):

Labcorp Genetics (formerly Invitae), Labcorp
Classification: Uncertain significance. Last evaluated: 2022-04-25. Review status: criteria provided, single submitter. Criteria: Invitae Variant Classification Sherloc (09022015). Collection method: clinical testing. Allele origin: germline.
Comment: This sequence change replaces histidine, which is basic and polar, with tyrosine, which is neutral and polar, at codon 174 of the TPP1 protein (p.His174Tyr). This variant is not present in population databases (gnomAD no frequency). This variant has not been reported in the literature in individuals affected with TPP1-related conditions. ClinVar contains an entry for this variant (Variation ID: 207575). Advanced modeling of protein sequence and biophysical properties (such as structural, functional, and spatial information, amino acid conservation, physicochemical variation, residue mobility, and thermodynamic stability) performed at Invitae indicates that this missense variant is expected to disrupt TPP1 protein function. In summary, the available evidence is currently insufficient to determine the role of this variant in disease. Therefore, it has been classified as a Variant of Uncertain Significance.

GeneDx
Classification: Uncertain significance. Last evaluated: 2013-12-11. Review status: criteria provided, single submitter. Criteria: GeneDx Variant Classification (06012015). Collection method: clinical testing. Allele origin: germline. Affected: yes.
Comment: p.His174Tyr (CAC>TAC): c.520 C>T in exon 6 of the TPP1 gene (NM_000391.3)The His174Tyr missense change in the TPP1 gene has not been published as a mutation, nor has it been reported as a benign polymorphism to our knowledge. It was not observed in approximately 6,500 individuals of European and African American ancestry in the NHLBI Exome Sequencing Project, indicating it is not a common benign variant in these populations. This variant is a non-conservative amino acid substitution of a positively charged Histidine residue with an uncharged Tyrosine residue at a position that is conserved across species. In silico analysis predicts this variant is probably damaging to the protein structure/function. However, this region of the protein is removed from the mature form of the protein. Therefore, based on the currently available information, it is unclear whether His174Tyr is a disease-causing mutation or a rare benign variant. The variant is found in EPILEPSY panel(s).